The following is an entry in ClinVar:

ClinVar aggregate classification (germline): Likely benign (1 of 4 stars; one submission).

gnomAD v4.1: 5 of 1,614,016 alleles (0.00031%); highest among the groups gnomAD compares: South Asian, 0.0022%; no homozygotes.

Submission:

CeGaT Center for Human Genetics Tuebingen
Classification: Likely benign. Last evaluated: 2026-08-01. Review status: criteria provided, single submitter. Criteria: CeGaT Center For Human Genetics Tuebingen Variant Classification Criteria Version 2. Collection method: clinical testing. Allele origin: germline. Affected: yes. Observed: 1 variant allele.
Comment: SPEN: BP4

NM_015001.3(SPEN):c.2023G>A (p.Asp675Asn)

Gene: SPEN (spen family transcriptional repressor; plus strand). Cytogenetic location: 1p36.13.
Variant type: single nucleotide variant.
Coding change: c.2023G>A on transcript NM_015001.3 (MANE Select); coding-DNA position 2023, G replaced by A.
Protein change: p.Asp675Asn; replaces aspartic acid 675 with asparagine.
Molecular consequence: missense variant.
Genome position (GRCh38, 1-based): chr1:15,928,263, G>A. VCF-style: chr1-15928263-G-A. GRCh37 (hg19) VCF-style: chr1-16254758-G-A.
Other names: short protein forms D675N.
Identifiers: ClinVar variation 5039406 (VCV005039406.1).